The following is an entry in ClinVar:

NM_001291867.2(NHS):c.3628A>G (p.Met1210Val)

Gene: NHS (NHS actin remodeling regulator; plus strand). Cytogenetic location: Xp22.13.
Variant type: single nucleotide variant.
Coding change: c.3628A>G on transcript NM_001291867.2 (MANE Select); coding-DNA position 3628, A replaced by G.
Protein change: p.Met1210Val; replaces methionine 1210 with valine.
Molecular consequence: missense variant.
Genome position (GRCh38, 1-based): chrX:17,727,734, A>G. VCF-style: chrX-17727734-A-G. GRCh37 (hg19) VCF-style: chrX-17745854-A-G.
Other names: c.3097A>G, p.Met1033Val (NM_001136024.4); c.3034A>G, p.Met1012Val (NM_001291868.2); c.3565A>G, p.Met1189Val (NM_198270.4); short protein forms M1012V, M1210V, M1033V, M1189V.
Identifiers: ClinVar variation 2056307 (VCV002056307.4), dbSNP rs2519940886, ClinGen allele CA412365333.

ClinVar aggregate classification (germline): Uncertain significance (1 of 4 stars; one submission).

Conditions:
Nance-Horan syndrome (NHS). Identifiers: Orphanet 627, MedGen C0796085, MONDO:0010545, OMIM 302350.

Allele frequency attached by ClinVar (database versions not stated): gnomAD exomes below 0.00001.

Submission:

Labcorp Genetics (formerly Invitae), Labcorp
Classification: Uncertain significance for Nance-Horan syndrome. Last evaluated: 2023-11-27. Review status: criteria provided, single submitter. Criteria: Invitae Variant Classification Sherloc (09022015). Collection method: clinical testing. Allele origin: germline.
Comment: This sequence change replaces methionine, which is neutral and non-polar, with valine, which is neutral and non-polar, at codon 1189 of the NHS protein (p.Met1189Val). This variant is not present in population databases (gnomAD no frequency). This variant has not been reported in the literature in individuals affected with NHS-related conditions. ClinVar contains an entry for this variant (Variation ID: 2056307). Advanced modeling of protein sequence and biophysical properties (such as structural, functional, and spatial information, amino acid conservation, physicochemical variation, residue mobility, and thermodynamic stability) performed at Invitae indicates that this missense variant is not expected to disrupt NHS protein function with a negative predictive value of 80%. In summary, the available evidence is currently insufficient to determine the role of this variant in disease. Therefore, it has been classified as a Variant of Uncertain Significance.